The following is an entry in ClinVar:

ClinVar aggregate classification (germline): Uncertain significance (1 of 4 stars; one submission).

Conditions:
Charcot-Marie-Tooth disease type 2. Also called: Charcot-Marie-Tooth type 2. Identifiers: Orphanet 64746, MedGen C0270914, MONDO:0018993.

Allele frequency attached by ClinVar (database versions not stated): TOPMed below 0.00001; ExAC 0.00001; gnomAD exomes 0.00004 and 0.00002; gnomAD 0.00001.
gnomAD v4.1: 58 of 1,613,966 alleles (0.0036%); highest among the groups gnomAD compares: East Asian, 0.027%; no homozygotes.

Submission:

Labcorp Genetics (formerly Invitae), Labcorp
Classification: Uncertain significance for Charcot-Marie-Tooth disease type 2. Last evaluated: 2022-10-25. Review status: criteria provided, single submitter. Criteria: Invitae Variant Classification Sherloc (09022015). Collection method: clinical testing. Allele origin: germline.
Comment: This sequence change replaces alanine, which is neutral and non-polar, with valine, which is neutral and non-polar, at codon 115 of the MED25 protein (p.Ala115Val). This variant is present in population databases (rs764375282, gnomAD 0.006%). This variant has not been reported in the literature in individuals affected with MED25-related conditions. ClinVar contains an entry for this variant (Variation ID: 1375861). Algorithms developed to predict the effect of missense changes on protein structure and function are either unavailable or do not agree on the potential impact of this missense change (SIFT: "Deleterious"; PolyPhen-2: "Possibly Damaging"; Align-GVGD: "Class C0"). In summary, the available evidence is currently insufficient to determine the role of this variant in disease. Therefore, it has been classified as a Variant of Uncertain Significance.

NM_030973.4(MED25):c.344C>T (p.Ala115Val)

Gene: MED25 (mediator complex subunit 25; plus strand). Cytogenetic location: 19q13.33.
Variant type: single nucleotide variant.
Coding change: c.344C>T on transcript NM_030973.4 (MANE Select); coding-DNA position 344, C replaced by T.
Protein change: p.Ala115Val; replaces alanine 115 with valine.
Molecular consequence: missense variant.
Genome position (GRCh38, 1-based): chr19:49,828,487, C>T. VCF-style: chr19-49828487-C-T. GRCh37 (hg19) VCF-style: chr19-50331744-C-T.
Other names: c.344C>T, p.Ala115Val (NM_001378355.1); short protein forms A115V.
Identifiers: ClinVar variation 1375861 (VCV001375861.3), dbSNP rs764375282, ClinGen allele CA9584815.
Genomic context (GRCh38, chr19:49,828,487, plus strand): 5'-GCTGACCGCTCTGCCCCTGCAGGTTCATGGGCGGGGGTGGTGAGAGCTGCAGCCTCATCG[C>T]GGAAGGACTCAGCACAGCCTTGCAGCTGTTTGATGACTTCAAGAAGATGCGCGAGCAGAT-3'
Protein context (NP_112235.2, residues 105-125): GGGGESCSLI[Ala115Val]EGLSTALQLF